The following is an entry in ClinVar:

NM_003000.3(SDHB):c.173T>C (p.Met58Thr)

Gene: SDHB (succinate dehydrogenase complex iron sulfur subunit B; minus strand). Cytogenetic location: 1p36.13.
Variant type: single nucleotide variant.
Coding change: c.173T>C on transcript NM_003000.3 (MANE Select); coding-DNA position 173, T replaced by C.
Protein change: p.Met58Thr; replaces methionine 58 with threonine.
Molecular consequence: missense variant.
Genome position (GRCh38, 1-based): chr1:17,044,788, A>G on the plus strand (T>C on the coding strand, the complement: SDHB is on the minus strand). VCF-style: chr1-17044788-A-G. GRCh37 (hg19) VCF-style: chr1-17371283-A-G.
Other names: c.173T>C, p.Met58Thr (NM_001407361.1); short protein forms M58T.
Identifiers: ClinVar variation 5029261 (VCV005029261.1).

ClinVar aggregate classification (germline): Uncertain significance (1 of 4 stars; one submission).

Conditions:
Hereditary cancer-predisposing syndrome. Also called: Neoplastic Syndromes, Hereditary; Tumor predisposition; Hereditary neoplastic syndrome; Hereditary Cancer Syndrome. Identifiers: Orphanet 140162, MedGen C0027672, MeSH D009386, MONDO:0015356.

Submission:

Ambry Genetics
Classification: Uncertain significance for Hereditary cancer-predisposing syndrome. Last evaluated: 2026-07-02. Review status: criteria provided, single submitter. Criteria: Ambry Variant Classification Scheme 2023. Collection method: clinical testing. Allele origin: germline.
Comment: The p.M58T variant (also known as c.173T>C), located in coding exon 2 of the SDHB gene, results from a T to C substitution at nucleotide position 173. The methionine at codon 58 is replaced by threonine, an amino acid with similar properties. This amino acid position is conserved. In addition, this alteration is predicted to be deleterious by in silico analysis. Based on the available evidence, the clinical significance of this variant remains unclear.